The following is an entry in ClinVar:

NM_024422.6(DSC2):c.947T>C (p.Ile316Thr)

Gene: DSC2 (desmocollin 2; minus strand). Cytogenetic location: 18q12.1.
Variant type: single nucleotide variant.
Coding change: c.947T>C on transcript NM_024422.6 (MANE Select); coding-DNA position 947, T replaced by C.
Protein change: p.Ile316Thr; replaces isoleucine 316 with threonine.
Molecular consequence: missense variant.
Genome position (GRCh38, 1-based): chr18:31,083,056, A>G on the plus strand (T>C on the coding strand, the complement: DSC2 is on the minus strand). VCF-style: chr18-31083056-A-G. GRCh37 (hg19) VCF-style: chr18-28663022-A-G.
Other names: c.518T>C, p.Ile173Thr (NM_001406506.1, NM_001406507.1); c.947T>C, p.Ile316Thr (NM_004949.5); short protein forms I316T, I173T.
Identifiers: ClinVar variation 1767095 (VCV001767095.3), dbSNP rs1245841138, ClinGen allele CA402111036.

ClinVar aggregate classification (germline): Uncertain significance. Review status: criteria provided, multiple submitters, no conflicts (2 of 4 stars). 2 submissions from 2 submitters: Uncertain significance (2). Last evaluated 2025-05-08.

Conditions:
Arrhythmogenic right ventricular dysplasia 11. Also called: Arrhythmogenic Right Ventricular Dysplasia/Cardiomyopathy11; ARRHYTHMOGENIC RIGHT VENTRICULAR DYSPLASIA, FAMILIAL, 11; Arrhythmogenic right ventricular dysplasia 11 with mild palmoplantar keratoderma and woolly hair. Identifiers: MedGen C1864850, MONDO:0012506, OMIM 610476.
Cardiovascular phenotype. Identifiers: MedGen CN230736.

Allele frequency attached by ClinVar (database versions not stated): gnomAD exomes below 0.00001; gnomAD 0.00001; TOPMed below 0.00001.
gnomAD v4.1: 3 of 1,611,146 alleles (0.00019%); highest among the groups gnomAD compares: African/African-American, 0.0027%; no homozygotes.

Submissions (2):

Labcorp Genetics (formerly Invitae), Labcorp
Classification: Uncertain significance for Arrhythmogenic right ventricular dysplasia 11. Last evaluated: 2025-05-08. Review status: criteria provided, single submitter. Criteria: Invitae Variant Classification Sherloc (09022015). Collection method: clinical testing. Allele origin: germline.
Comment: This sequence change replaces isoleucine, which is neutral and non-polar, with threonine, which is neutral and polar, at codon 316 of the DSC2 protein (p.Ile316Thr). This variant is present in population databases (no rsID available, gnomAD 0.01%). This variant has not been reported in the literature in individuals affected with DSC2-related conditions. ClinVar contains an entry for this variant (Variation ID: 1767095). Invitae Evidence Modeling of protein sequence and biophysical properties (such as structural, functional, and spatial information, amino acid conservation, physicochemical variation, residue mobility, and thermodynamic stability) indicates that this missense variant is not expected to disrupt DSC2 protein function with a negative predictive value of 80%. In summary, the available evidence is currently insufficient to determine the role of this variant in disease. Therefore, it has been classified as a Variant of Uncertain Significance.

Ambry Genetics
Classification: Uncertain significance for Cardiovascular phenotype. Last evaluated: 2022-07-11. Review status: criteria provided, single submitter. Criteria: Ambry Variant Classification Scheme 2023. Collection method: clinical testing. Allele origin: germline.
Comment: The p.I316T variant (also known as c.947T>C), located in coding exon 8 of the DSC2 gene, results from a T to C substitution at nucleotide position 947. The isoleucine at codon 316 is replaced by threonine, an amino acid with similar properties. This amino acid position is conserved. In addition, this alteration is predicted to be tolerated by in silico analysis. Since supporting evidence is limited at this time, the clinical significance of this alteration remains unclear.